The following is an entry in ClinVar:

NM_003073.5(SMARCB1):c.559G>A (p.Val187Ile)

Gene: SMARCB1 (SWI/SNF related BAF chromatin remodeling complex subunit B1; plus strand). Cytogenetic location: 22q11.23.
Variant type: single nucleotide variant.
Coding change: c.559G>A on transcript NM_003073.5 (MANE Select); coding-DNA position 559, G replaced by A.
Protein change: p.Val187Ile; replaces valine 187 with isoleucine.
Molecular consequence: missense variant.
Genome position (GRCh38, 1-based): chr22:23,803,353, G>A. VCF-style: chr22-23803353-G-A. GRCh37 (hg19) VCF-style: chr22-24145540-G-A.
Other names: c.532G>A, p.Val178Ile (NM_001007468.3); c.586G>A, p.Val196Ile (NM_001317946.2); c.613G>A, p.Val205Ile (NM_001362877.2); short protein forms V196I, V187I, V205I, V178I.
Identifiers: ClinVar variation 4170232 (VCV004170232.1).

ClinVar aggregate classification (germline): Uncertain significance (1 of 4 stars; one submission).

Conditions:
Hereditary cancer-predisposing syndrome. Also called: Neoplastic Syndromes, Hereditary; Tumor predisposition; Hereditary Cancer Syndrome; Hereditary neoplastic syndrome. Identifiers: Orphanet 140162, MedGen C0027672, MeSH D009386, MONDO:0015356.

gnomAD v4.1: 1 of 1,614,176 alleles (0.000062%); highest among the groups gnomAD compares: Non-Finnish European, 0.000085%; no homozygotes.

Submission:

Ambry Genetics
Classification: Uncertain significance for Hereditary cancer-predisposing syndrome. Last evaluated: 2025-06-25. Review status: criteria provided, single submitter. Criteria: Ambry Variant Classification Scheme 2023. Collection method: clinical testing. Allele origin: germline.
Comment: The p.V187I variant (also known as c.559G>A), located in coding exon 5 of the SMARCB1 gene, results from a G to A substitution at nucleotide position 559. The valine at codon 187 is replaced by isoleucine, an amino acid with highly similar properties. This amino acid position is conserved. In addition, the in silico prediction for this alteration is inconclusive. Based on the available evidence, the clinical significance of this variant remains unclear.